The following is an entry in ClinVar:

NM_004304.5(ALK):c.2162A>G (p.Lys721Arg)

Gene: ALK (ALK receptor tyrosine kinase; minus strand). Cytogenetic location: 2p23.2.
Variant type: single nucleotide variant.
Coding change: c.2162A>G on transcript NM_004304.5 (MANE Select); coding-DNA position 2162, A replaced by G.
Protein change: p.Lys721Arg; replaces lysine 721 with arginine.
Molecular consequence: missense variant.
Genome position (GRCh38, 1-based): chr2:29,251,147, T>C on the plus strand (A>G on the coding strand, the complement: ALK is on the minus strand). VCF-style: chr2-29251147-T-C. GRCh37 (hg19) VCF-style: chr2-29474013-T-C.
Other names: short protein forms K721R.
Identifiers: ClinVar variation 4272498 (VCV004272498.1).
Genomic context (GRCh38, chr2:29,251,147, plus strand): 5'-CCCCTCTTCCATACGCACCTGTAGGTGTCGGTGGCTGGCACCTTCCAGATCTGGATGCCT[T>C]TCAGGGGGCCCTCGCTCCCCACCTCCACGCTCAGGTTGGAGTTCTGGTAGGCGTTGTTGC-3'
Protein context (NP_004295.2, residues 711-731): SVEVGSEGPL[Lys721Arg]GIQIWKVPAT

ClinVar aggregate classification (germline): Uncertain significance (1 of 4 stars; one submission).

Conditions:
Hereditary cancer-predisposing syndrome. Also called: Hereditary Cancer Syndrome; Hereditary neoplastic syndrome; Neoplastic Syndromes, Hereditary; Tumor predisposition. Identifiers: Orphanet 140162, MedGen C0027672, MeSH D009386, MONDO:0015356.

Submission:

Ambry Genetics
Classification: Uncertain significance for Hereditary cancer-predisposing syndrome. Last evaluated: 2025-07-12. Review status: criteria provided, single submitter. Criteria: Ambry Variant Classification Scheme 2023. Collection method: clinical testing. Allele origin: germline.
Comment: The p.K721R variant (also known as c.2162A>G), located in coding exon 12 of the ALK gene, results from an A to G substitution at nucleotide position 2162. The lysine at codon 721 is replaced by arginine, an amino acid with highly similar properties. This amino acid position is conserved. In addition, this alteration is predicted to be tolerated by in silico analysis. Based on the available evidence, the clinical significance of this variant remains unclear.